The following is an entry in ClinVar:

NM_001005361.3(DNM2):c.960C>A (p.Asp320Glu)

Gene: DNM2 (dynamin 2; plus strand). Cytogenetic location: 19p13.2.
Variant type: single nucleotide variant.
Coding change: c.960C>A on transcript NM_001005361.3 (MANE Select); coding-DNA position 960, C replaced by A.
Protein change: p.Asp320Glu; replaces aspartic acid 320 with glutamic acid.
Molecular consequence: missense variant.
Genome position (GRCh38, 1-based): chr19:10,786,674, C>A. VCF-style: chr19-10786674-C-A. GRCh37 (hg19) VCF-style: chr19-10897350-C-A.
Other names: c.960C>A, p.Asp320Glu (NM_001005360.3, NM_001005362.3, NM_001190716.2 and 1 more transcripts); short protein forms D320E.
Identifiers: ClinVar variation 2633151 (VCV002633151.1), dbSNP rs774137901, ClinGen allele CA404046428.

ClinVar aggregate classification (germline): Uncertain significance (1 of 4 stars; one submission).

Conditions:
DNM2-related disorder. Also called: DNM2-related condition.

gnomAD v4.1: 2 of 1,614,140 alleles (0.00012%); highest among the groups gnomAD compares: South Asian, 0.0011%; no homozygotes.

Submission:

PreventionGenetics, part of Exact Sciences
Classification: Uncertain significance for DNM2-related condition. Last evaluated: 2023-05-03. Review status: criteria provided, single submitter. Criteria: ACMG Guidelines, 2015. Collection method: clinical testing. Allele origin: germline.
Comment: The DNM2 c.960C>A variant is predicted to result in the amino acid substitution p.Asp320Glu. To our knowledge, this variant has not been reported in the literature or in a large population database, indicating this variant is rare. At this time, the clinical significance of this variant is uncertain due to the absence of conclusive functional and genetic evidence.